The following is an entry in ClinVar:

ClinVar aggregate classification (germline): Uncertain significance. Review status: criteria provided, multiple submitters, no conflicts (2 of 4 stars). 2 submissions from 2 submitters: Uncertain significance (2). Last evaluated 2022-03-10.

Allele frequency attached by ClinVar (database versions not stated): gnomAD exomes below 0.00001.
gnomAD v4.1: 2 of 1,614,132 alleles (0.00012%); highest among the groups gnomAD compares: Non-Finnish European, 0.00017%; no homozygotes.

Submissions (2):

Labcorp Genetics (formerly Invitae), Labcorp
Classification: Uncertain significance. Last evaluated: 2022-03-10. Review status: criteria provided, single submitter. Criteria: Invitae Variant Classification Sherloc (09022015). Collection method: clinical testing. Allele origin: germline.
Comment: In summary, the available evidence is currently insufficient to determine the role of this variant in disease. Therefore, it has been classified as a Variant of Uncertain Significance. Algorithms developed to predict the effect of missense changes on protein structure and function are either unavailable or do not agree on the potential impact of this missense change (SIFT: "Deleterious"; PolyPhen-2: "Benign"; Align-GVGD: "Class C0"). ClinVar contains an entry for this variant (Variation ID: 938353). This variant has not been reported in the literature in individuals affected with ABCA4-related conditions. This variant is not present in population databases (gnomAD no frequency). This sequence change replaces methionine, which is neutral and non-polar, with isoleucine, which is neutral and non-polar, at codon 843 of the ABCA4 protein (p.Met843Ile).

GeneDx
Classification: Uncertain significance. Last evaluated: 2020-02-02. Review status: criteria provided, single submitter. Criteria: GeneDx Variant Classification Process June 2021. Collection method: clinical testing. Allele origin: germline. Affected: yes.
Comment: Not observed in large population cohorts (Lek et al., 2016); In silico analysis supports that this missense variant has a deleterious effect on protein structure/function; Has not been previously published as pathogenic or benign to our knowledge

NM_000350.3(ABCA4):c.2529G>A (p.Met843Ile)

Gene: ABCA4 (ATP binding cassette subfamily A member 4; minus strand). Cytogenetic location: 1p22.1.
Variant type: single nucleotide variant.
Coding change: c.2529G>A on transcript NM_000350.3 (MANE Select); coding-DNA position 2529, G replaced by A.
Protein change: p.Met843Ile; replaces methionine 843 with isoleucine.
Molecular consequence: missense variant.
Genome position (GRCh38, 1-based): chr1:94,055,169, C>T on the plus strand (G>A on the coding strand, the complement: ABCA4 is on the minus strand). VCF-style: chr1-94055169-C-T. GRCh37 (hg19) VCF-style: chr1-94520725-C-T.
Other names: c.2307G>A, p.Met769Ile (NM_001425324.1); short protein forms M843I, M769I.
Identifiers: ClinVar variation 938353 (VCV000938353.11), dbSNP rs1660938718, ClinGen allele CA341276887.
Genomic context (GRCh38, chr1:94,055,169, plus strand): 5'-ACCTGGAAACACCTGATCAAGGTACCAAGCGAGTAAGCCATAGACAGCAGCATCAAGGAG[C>T]ATCATCTGCATGGACAGCAGGAAGCTGAATTCGTCCCCTTCCGTGGGACTGTTCCCGATG-3'
Protein context (NP_000341.2, residues 833-853): EFSFLLSMQM[Met843Ile]LLDAAVYGLL